The following is an entry in ClinVar:

NM_001243133.2(NLRP3):c.1389C>T (p.His463=)

Gene: NLRP3 (NLR family pyrin domain containing 3; plus strand). Cytogenetic location: 1q44.
Variant type: single nucleotide variant.
Coding change: c.1389C>T on transcript NM_001243133.2 (MANE Select); coding-DNA position 1389, C replaced by T.
Protein change: p.His463=; no amino-acid change (histidine 463 retained).
Molecular consequence: synonymous variant.
Genome position (GRCh38, 1-based): chr1:247,424,838, C>T. VCF-style: chr1-247424838-C-T. GRCh37 (hg19) VCF-style: chr1-247588140-C-T.
Other names: p.His465=; c.1389C>T, p.His463= (NM_001079821.3, NM_001127461.3, NM_001127462.3 and 1 more transcripts); c.1395C>T, p.His465= (NM_004895.5).
Identifiers: ClinVar variation 97931 (VCV000097931.69), dbSNP rs111400208, ClinGen allele CA281205.

ClinVar aggregate classification (germline): Benign/Likely benign. Review status: criteria provided, multiple submitters, no conflicts (2 of 4 stars). 19 submissions from 16 submitters: Benign (9); Likely benign (5). 5 of the submissions do not count toward it. Last evaluated 2026-07-01.

Conditions:
Kidney disorder. Also called: Nephropathy; Kidney disease; Kidney Diseases; renal disease; renal disorder. Identifiers: MedGen C0022658, MONDO:0005240, HP:0000112.
Autoinflammatory syndrome. Identifiers: Orphanet 93665, MedGen C3890737, MONDO:0019751.
NLRP3-related disorder. Also called: NLRP3-related condition; NLRP3-Related Disorders.
Cryopyrin associated periodic syndrome (CAPS). Identifiers: Orphanet 208650, MedGen C2316212, MONDO:0016168.
Familial cold autoinflammatory syndrome 1 (FCAS1). Also called: CRYOPYRIN-ASSOCIATED PERIODIC SYNDROME 1; Familial cold inflammatory syndrome 1. Identifiers: Orphanet 47045, MedGen C4551895, MONDO:0007349, OMIM 120100.
Familial amyloid nephropathy with urticaria AND deafness (MWS). Also called: UDA SYNDROME; URTICARIA-DEAFNESS-AMYLOIDOSIS SYNDROME; MUCKLE-WELLS SYNDROME; Urticaria, deafness and amyloidosis; CRYOPYRIN-ASSOCIATED PERIODIC SYNDROME 2. Identifiers: Orphanet 575, MedGen C0268390, MONDO:0008633, OMIM 191900.
Chronic infantile neurological, cutaneous and articular syndrome (CINCA). Also called: Prieur Griscelli syndrome; CRYOPYRIN-ASSOCIATED PERIODIC SYNDROME 3; CINCA syndrome; CHRONIC NEUROLOGIC CUTANEOUS AND ARTICULAR SYNDROME. Identifiers: Orphanet 1451, MedGen C0409818, MONDO:0011776, OMIM 607115.

Allele frequency attached by ClinVar (database versions not stated): 1000 Genomes Project 30x 0.00125; 1000 Genomes Project 0.00140; ExAC 0.00295; TOPMed 0.00313; gnomAD exomes 0.00316 and 0.00363; gnomAD 0.00338 and 0.00354; ESP Exome Variant Server 0.00392.
gnomAD v4.1: 5,840 of 1,608,096 alleles (0.36%); highest among the groups gnomAD compares: Non-Finnish European, 0.38%; 16 homozygotes.

Submissions (19):

CeGaT Center for Human Genetics Tuebingen
Classification: Likely benign. Last evaluated: 2026-07-01. Review status: criteria provided, single submitter. Criteria: CeGaT Center For Human Genetics Tuebingen Variant Classification Criteria Version 2. Collection method: clinical testing. Allele origin: germline. Affected: yes. Observed: 16 variant alleles.
Comment: NLRP3: BP4, BP7, BS1

Labcorp Genetics (formerly Invitae), Labcorp
Classification: Benign for Cryopyrin associated periodic syndrome. Last evaluated: 2026-02-02. Review status: criteria provided, single submitter. Criteria: Invitae Variant Classification Sherloc (09022015). Collection method: clinical testing. Allele origin: germline.

Mayo Clinic Laboratories, Mayo Clinic
Classification: Likely benign. Last evaluated: 2025-09-20. Review status: criteria provided, single submitter. Criteria: ACMG Guidelines, 2015. Collection method: clinical testing. Allele origin: germline. Observed: 12 variant alleles.
Comment: BS1, BP4, BP7

ARUP Laboratories, Molecular Genetics and Genomics, ARUP Laboratories
Classification: Benign. Last evaluated: 2025-01-21. Review status: criteria provided, single submitter. Criteria: ARUP Molecular Germline Variant Investigation Process 2024. Collection method: clinical testing. Allele origin: germline.

Blueprint Genetics
Classification: Likely benign. Last evaluated: 2024-11-26. Review status: criteria provided, single submitter. Criteria: ACMG Guidelines, 2015. Collection method: clinical testing. Allele origin: germline.

Genome Diagnostics Laboratory, The Hospital for Sick Children
Classification: Benign for Autoinflammatory syndrome. Last evaluated: 2022-03-29. Review status: criteria provided, single submitter. Criteria: ACMG Guidelines, 2015. Collection method: clinical testing. Allele origin: germline. Affected: yes.

Genome Diagnostics Laboratory, The Hospital for Sick Children
Classification: Likely benign for Kidney disorder. Last evaluated: 2020-01-01. Review status: criteria provided, single submitter. Criteria: ACMG Guidelines, 2015. Collection method: clinical testing. Allele origin: germline.

Athena Diagnostics
Classification: Benign. Last evaluated: 2019-02-27. Review status: criteria provided, single submitter. Criteria: Athena Diagnostics Criteria. Collection method: clinical testing. Allele origin: germline.

Illumina Laboratory Services, Illumina
Classification: Benign for Familial cold autoinflammatory syndrome 1. Last evaluated: 2018-01-12. Review status: criteria provided, single submitter. Criteria: ICSL Variant Classification Criteria 13 December 2019. Collection method: clinical testing. Allele origin: germline.
Comment: This variant was observed in the ICSL laboratory as part of a predisposition screen in an ostensibly healthy population. It had not been previously curated by ICSL or reported in the Human Gene Mutation Database (HGMD: prior to June 1st, 2018), and was therefore a candidate for classification through an automated scoring system. Utilizing variant allele frequency, disease prevalence and penetrance estimates, and inheritance mode, an automated score was calculated to assess if this variant is too frequent to cause the disease. Based on the score and internal cut-off values, a variant classified as benign is not then subjected to further curation. The score for this variant resulted in a classification of benign for this disease.

Illumina Laboratory Services, Illumina
Classification: Benign for Chronic infantile neurological, cutaneous and articular syndrome. Last evaluated: 2018-01-12. Review status: criteria provided, single submitter. Criteria: ICSL Variant Classification Criteria 13 December 2019. Collection method: clinical testing. Allele origin: germline.
Comment: the same text as in the submission from Illumina Laboratory Services, Illumina above.

Illumina Laboratory Services, Illumina
Classification: Benign for Familial amyloid nephropathy with urticaria AND deafness. Last evaluated: 2018-01-12. Review status: criteria provided, single submitter. Criteria: ICSL Variant Classification Criteria 13 December 2019. Collection method: clinical testing. Allele origin: germline.
Comment: the same text as in the submission from Illumina Laboratory Services, Illumina above.

Laboratory for Molecular Medicine, Mass General Brigham Personalized Medicine
Classification: Benign. Last evaluated: 2017-08-23. Review status: criteria provided, single submitter. Criteria: LMM Criteria. Collection method: clinical testing. Allele origin: germline. Observed: 3 variant alleles.
Comment: p.His465His in exon 5 of NLRP3: This variant is not expected to have clinical si gnificance because it does not alter an amino acid residue, is not located withi n the splice consensus sequence, and has been identified in 0.64% (42/6592) of F innish chromosomes by the Exome Aggregation Consortium (ExAC; dbSNP rs111400208).

GeneDx
Classification: Benign. Last evaluated: 2015-03-03. Review status: criteria provided, single submitter. Criteria: GeneDx Variant Classification Process June 2021. Collection method: clinical testing. Allele origin: germline. Affected: yes.

Breakthrough Genomics
Classification: Likely benign. Review status: criteria provided, single submitter. Criteria: ACMG Guidelines, 2015. Collection method: not provided. Allele origin: germline. Inheritance: Autosomal dominant inheritance. Affected: yes.

PreventionGenetics, part of Exact Sciences
Classification: Benign for NLRP3-related condition. Last evaluated: 2019-03-06. Review status: no assertion criteria provided. Collection method: clinical testing. Allele origin: germline. Not counted in ClinVar's aggregate classification.
Comment: This variant is classified as benign based on ACMG/AMP sequence variant interpretation guidelines (Richards et al. 2015 PMID: 25741868, with internal and published modifications).

Clinical Genetics DNA and cytogenetics Diagnostics Lab, Erasmus MC, Erasmus Medical Center
Classification: Likely benign. Review status: no assertion criteria provided. Collection method: clinical testing. Allele origin: germline. Affected: yes. Study: VKGL Data-share Consensus. Not counted in ClinVar's aggregate classification.

Genome Diagnostics Laboratory, University Medical Center Utrecht
Classification: Benign. Review status: no assertion criteria provided. Collection method: clinical testing. Allele origin: germline. Affected: yes. Study: VKGL Data-share Consensus. Not counted in ClinVar's aggregate classification.

Joint Genome Diagnostic Labs from Nijmegen and Maastricht, Radboudumc and MUMC+
Classification: Likely benign. Review status: no assertion criteria provided. Collection method: clinical testing. Allele origin: germline. Affected: yes. Study: VKGL Data-share Consensus. Not counted in ClinVar's aggregate classification.

Unité médicale des maladies autoinflammatoires, CHRU Montpellier
No classification provided. Condition: Familial cold urticaria. Review status: no classification provided. Collection method: not provided. Allele origin: unknown. Not counted in ClinVar's aggregate classification.
Comment: also involved in OMIM 191900 and 607115